The following is an entry in ClinVar:

NM_003482.4(KMT2D):c.10369C>A (p.Leu3457Met)

Gene: KMT2D (lysine methyltransferase 2D; minus strand). Cytogenetic location: 12q13.12.
Variant type: single nucleotide variant.
Coding change: c.10369C>A on transcript NM_003482.4 (MANE Select); coding-DNA position 10369, C replaced by A.
Protein change: p.Leu3457Met; replaces leucine 3457 with methionine.
Molecular consequence: missense variant.
Genome position (GRCh38, 1-based): chr12:49,034,653, G>T on the plus strand (C>A on the coding strand, the complement: KMT2D is on the minus strand). VCF-style: chr12-49034653-G-T. GRCh37 (hg19) VCF-style: chr12-49428436-G-T.
Other names: short protein forms L3457M.
Identifiers: ClinVar variation 4529649 (VCV004529649.1).

ClinVar aggregate classification (germline): Uncertain significance (1 of 4 stars; one submission).

Submission:

GeneDx
Classification: Uncertain significance. Last evaluated: 2025-05-16. Review status: criteria provided, single submitter. Criteria: GeneDx Variant Classification Process June 2021. Collection method: clinical testing. Allele origin: germline. Affected: yes.
Comment: Not observed at significant frequency in large population cohorts (gnomAD); In silico analysis suggests that this missense variant does not alter protein structure/function; Has not been previously published as pathogenic or benign to our knowledge